The following is an entry in ClinVar:

ClinVar aggregate classification (germline): Likely benign (1 of 4 stars; one submission).

gnomAD v4.1: 2 of 1,212,332 alleles (0.00016%); highest among the groups gnomAD compares: Non-Finnish European, 0.00022%; no homozygotes.

Submission:

GeneDx
Classification: Likely benign. Last evaluated: 2017-02-10. Review status: criteria provided, single submitter. Criteria: GeneDx Variant Classification (06012015). Collection method: clinical testing. Allele origin: germline. Affected: yes.
Comment: This variant is considered likely benign or benign based on one or more of the following criteria: it is a conservative change, it occurs at a poorly conserved position in the protein, it is predicted to be benign by multiple in silico algorithms, and/or has population frequency not consistent with disease.

NM_016032.4(ZDHHC9):c.487+3G>A

Gene: ZDHHC9 (zinc finger DHHC-type palmitoyltransferase 9; minus strand). Cytogenetic location: Xq26.1.
Variant type: single nucleotide variant.
Coding change: c.487+3G>A on transcript NM_016032.4 (MANE Select); 3 bases into the intron after coding-DNA position 487, G replaced by A.
Molecular consequence: intron variant.
Genome position (GRCh38, 1-based): chrX:129,823,676, C>T on the plus strand (G>A on the coding strand, the complement: ZDHHC9 is on the minus strand). VCF-style: chrX-129823676-C-T. GRCh37 (hg19) VCF-style: chrX-128957652-C-T.
Other names: c.487+3G>A (NM_001008222.3).
Identifiers: ClinVar variation 517719 (VCV000517719.1), dbSNP rs1556006405, ClinGen allele CA658799859.